The following is an entry in ClinVar:

ClinVar aggregate classification (germline): Uncertain significance (1 of 4 stars; one submission).

Conditions:
Charcot-Marie-Tooth disease type 2R. Also called: Charcot-Marie-Tooth disease, axonal, type 2R; CHARCOT-MARIE-TOOTH NEUROPATHY, TYPE 2R; CHARCOT-MARIE-TOOTH DISEASE, AXONAL, AUTOSOMAL RECESSIVE, TYPE 2R. Identifiers: Orphanet 397968, MedGen C3809655, MONDO:0014208, OMIM 615490.

Allele frequency attached by ClinVar (database versions not stated): TOPMed below 0.00001; gnomAD 0.00001.
gnomAD v4.1: 10 of 1,614,084 alleles (0.00062%); highest among the groups gnomAD compares: East Asian, 0.0045%; no homozygotes.

Submission:

Labcorp Genetics (formerly Invitae), Labcorp
Classification: Uncertain significance for Charcot-Marie-Tooth disease type 2R. Last evaluated: 2022-09-23. Review status: criteria provided, single submitter. Criteria: Invitae Variant Classification Sherloc (09022015). Collection method: clinical testing. Allele origin: germline.
Comment: In summary, the available evidence is currently insufficient to determine the role of this variant in disease. Therefore, it has been classified as a Variant of Uncertain Significance. Algorithms developed to predict the effect of missense changes on protein structure and function output the following: SIFT: "Tolerated"; PolyPhen-2: "Benign"; Align-GVGD: "Class C0". The threonine amino acid residue is found in multiple mammalian species, which suggests that this missense change does not adversely affect protein function. This variant has not been reported in the literature in individuals affected with TRIM2-related conditions. This variant is present in population databases (no rsID available, gnomAD 0.01%). This sequence change replaces alanine, which is neutral and non-polar, with threonine, which is neutral and polar, at codon 98 of the TRIM2 protein (p.Ala98Thr).

NM_015271.5(TRIM2):c.373G>A (p.Ala125Thr)

Gene: TRIM2 (tripartite motif containing 2; plus strand). Cytogenetic location: 4q31.3.
Variant type: single nucleotide variant.
Coding change: c.373G>A on transcript NM_015271.5 (MANE Select); coding-DNA position 373, G replaced by A.
Protein change: p.Ala125Thr; replaces alanine 125 with threonine.
Molecular consequence: missense variant. On other transcripts: 5 prime UTR variant (1).
Genome position (GRCh38, 1-based): chr4:153,276,050, G>A. VCF-style: chr4-153276050-G-A. GRCh37 (hg19) VCF-style: chr4-154197202-G-A.
Other names: c.292G>A, p.Ala98Thr (NM_001130067.2, NM_001351056.2, NM_001375512.1 and 5 more transcripts); c.373G>A, p.Ala125Thr (NM_001302692.2, NM_001375488.1, NM_001375490.1 and 1 more transcripts); c.370G>A, p.Ala124Thr (NM_001302693.2, NM_001375489.1, NM_001375491.1 and 1 more transcripts); c.346G>A, p.Ala116Thr (NM_001302694.2, NM_001351054.2); c.343G>A, p.Ala115Thr (NM_001351055.2); c.-185G>A (NM_001351057.2); c.34G>A, p.Ala12Thr (NM_001375522.1, NM_001375523.1, NM_001375525.1); short protein forms A125T, A12T, A98T, A115T, A124T, A116T.
Identifiers: ClinVar variation 2174687 (VCV002174687.4), dbSNP rs1285958679, ClinGen allele CA358470176.